The following is an entry in ClinVar:

NM_002070.4(GNAI2):c.614A>G (p.Gln205Arg)

Gene: GNAI2 (G protein subunit alpha i2; plus strand). Cytogenetic location: 3p21.31.
Variant type: single nucleotide variant.
Coding change: c.614A>G on transcript NM_002070.4 (MANE Select); coding-DNA position 614, A replaced by G.
Protein change: p.Gln205Arg; replaces glutamine 205 with arginine.
Molecular consequence: missense variant.
Genome position (GRCh38, 1-based): chr3:50,256,743, A>G. VCF-style: chr3-50256743-A-G. GRCh37 (hg19) VCF-style: chr3-50294175-A-G.
Other names: c.503A>G, p.Gln168Arg (NM_001166425.2); c.458A>G, p.Gln153Arg (NM_001282617.2); c.371A>G, p.Gln124Arg (NM_001282618.2); c.566A>G, p.Gln189Arg (NM_001282619.2, NM_001282620.2); short protein forms Q124R, Q153R, Q168R, Q189R, Q205R.
Identifiers: ClinVar variation 4083084 (VCV004083084.2).

ClinVar aggregate classification (germline): Pathogenic (1 of 4 stars; one submission).

Submission:

GeneDx
Classification: Pathogenic. Last evaluated: 2026-10-09. Review status: criteria provided, single submitter. Criteria: GeneDx Variant Classification Process June 2021. Collection method: clinical testing. Allele origin: germline.
Comment: In silico analysis supports that this missense variant has a deleterious effect on protein structure/function; Has not been previously published as pathogenic or benign to our knowledge; Not observed at significant frequency in large population cohorts (gnomAD)